The following is an entry in ClinVar:

NM_001943.5(DSG2):c.2919del (p.Leu974fs)

Genes: DSG2 (desmoglein 2; plus strand), DSG2-AS1 (DSG2 antisense RNA 1; minus strand). Cytogenetic location: 18q12.1.
Variant type: Deletion.
Coding change: c.2919del on transcript NM_001943.5 (MANE Select); coding-DNA position 2919, one base deleted (C; older notation c.2919delC).
Protein change: p.Leu974fs; shifts the reading frame from leucine 974.
Molecular consequence: frameshift variant.
Genome position (GRCh38, 1-based): chr18:31,546,305, C deleted; the last of 2 consecutive C bases (chr18:31,546,304-31,546,305); deleting either gives the same sequence. VCF-style (leftmost placement, unchanged base first): chr18-31546303-AC-A. GRCh37 (hg19) VCF-style: chr18-29126266-AC-A.
Other names: short protein forms L974fs.
Identifiers: ClinVar variation 1171065 (VCV001171065.2), dbSNP rs2144360666, ClinGen allele CA2499225128.

ClinVar aggregate classification (germline): Uncertain significance (1 of 4 stars; one submission).

Conditions:
Cardiomyopathy (CMYO). Also called: Cardiomyopathies. Identifiers: Orphanet 167848, MedGen C0878544, MONDO:0004994, HP:0001638. Inheritance: Various modes of inheritance.

Submission:

Color Diagnostics, LLC DBA Color Health
Classification: Uncertain significance for Cardiomyopathy. Last evaluated: 2020-12-13. Review status: criteria provided, single submitter. Criteria: ACMG Guidelines, 2015. Collection method: clinical testing. Allele origin: germline.
Comment: This variant deletes 1 nucleotide in exon 15 of the DSG2 gene, creating a frameshift and premature translation stop signal in the past exon. This variant is expected to result in an absent or non-functional protein product. To our knowledge, this variant has not been reported in individuals affected with cardiovascular disorders in the literature. This variant has not been identified in the general population by the Genome Aggregation Database (gnomAD). Clinical relevance of loss-of-function DSC2 truncation and splice variants in autosomal dominant arrhythmogenic right ventricular cardiomyopathy is not yet clearly established. The available evidence is insufficient to determine the role of this variant in disease conclusively. Therefore, this variant is classified as a Variant of Uncertain Significance.